The following is an entry in ClinVar:

ClinVar aggregate classification (germline): Uncertain significance (1 of 4 stars; one submission).

Conditions:
Arrhythmogenic right ventricular dysplasia 12. Also called: ARRHYTHMOGENIC RIGHT VENTRICULAR DYSPLASIA, FAMILIAL, 12. Identifiers: MedGen C1969081, MONDO:0012684, OMIM 611528.
Naxos disease (NXD). Also called: CARDIOMYOPATHY, ARRHYTHMOGENIC RIGHT VENTRICULAR, WITH SKIN, HAIR, AND NAIL ABNORMALITIES; KERATOSIS PALMOPLANTARIS WITH ARRHYTHMOGENIC CARDIOMYOPATHY; MAL DE NAXOS; PALMOPLANTAR KERATODERMA WITH ARRHYTHMOGENIC RIGHT VENTRICULAR CARDIOMYOPATHY AND WOOLLY HAIR; WOOLLY HAIR, PALMOPLANTAR KERATODERMA, AND CARDIAC ABNORMALITIES. Identifiers: Orphanet 34217, MedGen C1832600, MONDO:0011017, OMIM 601214.

gnomAD v4.1: 1 of 1,610,562 alleles (0.000062%); no homozygotes.

Submission:

Labcorp Genetics (formerly Invitae), Labcorp
Classification: Uncertain significance for Arrhythmogenic right ventricular dysplasia 12; Naxos disease. Last evaluated: 2022-04-30. Review status: criteria provided, single submitter. Criteria: Invitae Variant Classification Sherloc (09022015). Collection method: clinical testing. Allele origin: germline.
Comment: In summary, the available evidence is currently insufficient to determine the role of this variant in disease. Therefore, it has been classified as a Variant of Uncertain Significance. Algorithms developed to predict the effect of missense changes on protein structure and function (SIFT, PolyPhen-2, Align-GVGD) all suggest that this variant is likely to be tolerated. ClinVar contains an entry for this variant (Variation ID: 1061383). This variant has not been reported in the literature in individuals affected with JUP-related conditions. This variant is not present in population databases (gnomAD no frequency). This sequence change replaces alanine, which is neutral and non-polar, with threonine, which is neutral and polar, at codon 516 of the JUP protein (p.Ala516Thr).

NM_002230.4(JUP):c.1546G>A (p.Ala516Thr)

Gene: JUP (junction plakoglobin; minus strand). Cytogenetic location: 17q21.2.
Variant type: single nucleotide variant.
Coding change: c.1546G>A on transcript NM_002230.4 (MANE Select); coding-DNA position 1546, G replaced by A.
Protein change: p.Ala516Thr; replaces alanine 516 with threonine.
Molecular consequence: missense variant.
Genome position (GRCh38, 1-based): chr17:41,758,822, C>T on the plus strand (G>A on the coding strand, the complement: JUP is on the minus strand). VCF-style: chr17-41758822-C-T. GRCh37 (hg19) VCF-style: chr17-39915074-C-T.
Other names: c.1546G>A, p.Ala516Thr (NM_001352773.2, NM_001352774.2, NM_001352775.2 and 3 more transcripts); short protein forms A516T.
Identifiers: ClinVar variation 1061383 (VCV001061383.9), dbSNP rs2143460021, ClinGen allele CA399493970.
Genomic context (GRCh38, chr17:41,758,822, plus strand): 5'-GGTGGGCCTTCACCAGCAGTTGGACGAGGCGGGGGATGACCGCTGCCTCCTGCAGCGGGG[C>T]ATGGTTGGCTGGGCACAGGGCCAGATTCCTGATCAAGCCGATGGTTGCCTGGCAAAAAAA-3'
Protein context (NP_002221.1, residues 506-526): RNLALCPANH[Ala516Thr]PLQEAAVIPR